The following is an entry in ClinVar:

ClinVar aggregate classification (germline): Uncertain significance (1 of 4 stars; one submission).

Conditions:
Osteogenesis imperfecta type I (OI1). Also called: Lobstein disease; OI, TYPE I; OSTEOGENESIS IMPERFECTA TARDA; OSTEOGENESIS IMPERFECTA WITH BLUE SCLERAE; Osteogenesis imperfecta type 1; Lobstein's Disease. Identifiers: Orphanet 216796, Orphanet 666, MedGen C0023931, MONDO:0008146, OMIM 166200. Disease mechanism: loss of function.
Ehlers-Danlos syndrome, classic type, 1 (EDSCL1). Also called: EDS I; EHLERS-DANLOS SYNDROME, GRAVIS TYPE; EHLERS-DANLOS SYNDROME, SEVERE CLASSIC TYPE; Ehlers-Danlos syndrome, type 1; Ehlers-Danlos Syndrome, Classic Type, COL5A1-Related. Identifiers: MedGen C0268335, MONDO:0019567, OMIM 130000.

Allele frequency attached by ClinVar (database versions not stated): gnomAD exomes 0.00001; TOPMed 0.00011; ExAC 0.00002; gnomAD 0.00009.
gnomAD v4.1: 28 of 1,613,556 alleles (0.0017%); highest among the groups gnomAD compares: African/African-American, 0.029%; no homozygotes.

Submission:

Labcorp Genetics (formerly Invitae), Labcorp
Classification: Uncertain significance for Osteogenesis imperfecta type I; Ehlers-Danlos syndrome, classic type, 1. Last evaluated: 2024-10-17. Review status: criteria provided, single submitter. Criteria: Invitae Variant Classification Sherloc (09022015). Collection method: clinical testing. Allele origin: germline.
Comment: This sequence change replaces proline, which is neutral and non-polar, with serine, which is neutral and polar, at codon 70 of the COL1A2 protein (p.Pro70Ser). This variant is present in population databases (rs771749616, gnomAD 0.05%). This missense change has been observed in individual(s) with osteogenesis imperfecta (PMID: 28528406). Invitae Evidence Modeling of protein sequence and biophysical properties (such as structural, functional, and spatial information, amino acid conservation, physicochemical variation, residue mobility, and thermodynamic stability) indicates that this missense variant is not expected to disrupt COL1A2 protein function with a negative predictive value of 95%. In summary, the available evidence is currently insufficient to determine the role of this variant in disease. Therefore, it has been classified as a Variant of Uncertain Significance.

Literature cited by the submitters: PubMed 28528406.

NM_000089.4(COL1A2):c.208C>T (p.Pro70Ser)

Gene: COL1A2 (collagen type I alpha 2 chain; plus strand). Cytogenetic location: 7q21.3.
Variant type: single nucleotide variant.
Coding change: c.208C>T on transcript NM_000089.4 (MANE Select); coding-DNA position 208, C replaced by T.
Protein change: p.Pro70Ser; replaces proline 70 with serine.
Molecular consequence: missense variant.
Genome position (GRCh38, 1-based): chr7:94,400,271, C>T. VCF-style: chr7-94400271-C-T. GRCh37 (hg19) VCF-style: chr7-94029583-C-T.
Other names: short protein forms P70S.
Identifiers: ClinVar variation 2933820 (VCV002933820.3), dbSNP rs771749616, ClinGen allele CA4346551.